The following is an entry in ClinVar:

ClinVar aggregate classification (germline): Benign/Likely benign. Review status: criteria provided, multiple submitters, no conflicts (2 of 4 stars). 4 submissions from 4 submitters: Benign (1); Likely benign (3). Last evaluated 2025-11-05.

Conditions:
Hereditary cancer-predisposing syndrome. Also called: Tumor predisposition; Hereditary neoplastic syndrome; Neoplastic Syndromes, Hereditary; Hereditary Cancer Syndrome. Identifiers: Orphanet 140162, MedGen C0027672, MeSH D009386, MONDO:0015356.
Hereditary leiomyomatosis and renal cell cancer. Also called: Familial leiomyomatosis; MULTIPLE CUTANEOUS AND UTERINE LEIOMYOMATA 1, WITH OR WITHOUT RENAL CELL CARCINOMA; Multiple cutaneous leiomyomas; Reed syndrome; Multiple cutaneous and uterine leiomyomatosis; Cutaneous leiomyomata with uterine leiomyomata. Identifiers: Orphanet 523, MedGen C1708350, MONDO:0007888, OMIM 150800, HP:0007437. Disease mechanism: loss of function.

Allele frequency attached by ClinVar (database versions not stated): gnomAD exomes below 0.00001; ExAC 0.00001; gnomAD 0.00001 and 0.00002; TOPMed 0.00003; ESP Exome Variant Server 0.00008.
gnomAD v4.1: 4 of 1,613,864 alleles (0.00025%); highest among the groups gnomAD compares: African/African-American, 0.0027%; no homozygotes.

Submissions (4):

Labcorp Genetics (formerly Invitae), Labcorp
Classification: Likely benign. Last evaluated: 2025-11-05. Review status: criteria provided, single submitter. Criteria: Invitae Variant Classification Sherloc (09022015). Collection method: clinical testing. Allele origin: germline.

Myriad Genetics, Inc.
Classification: Benign for Hereditary leiomyomatosis and renal cell cancer. Last evaluated: 2024-10-18. Review status: criteria provided, single submitter. Criteria: Myriad Autosomal Dominant, Autosomal Recessive and X-Linked Classification Criteria (2023). Collection method: clinical testing. Allele origin: unknown.
Comment: This variant is considered benign. This variant is a silent/synonymous amino acid change and it is not expected to impact splicing.

Ambry Genetics
Classification: Likely benign for Hereditary cancer-predisposing syndrome. Last evaluated: 2020-03-06. Review status: criteria provided, single submitter. Criteria: Ambry Variant Classification Scheme 2023. Collection method: clinical testing. Allele origin: germline.

GeneDx
Classification: Likely benign. Last evaluated: 2019-02-27. Review status: criteria provided, single submitter. Criteria: GeneDx Variant Classification Process June 2021. Collection method: clinical testing. Allele origin: germline. Affected: yes.

NM_000143.4(FH):c.894T>C (p.Ala298=)

Gene: FH (fumarate hydratase; minus strand). Cytogenetic location: 1q43.
Variant type: single nucleotide variant.
Coding change: c.894T>C on transcript NM_000143.4 (MANE Select); coding-DNA position 894, T replaced by C.
Protein change: p.Ala298=; no amino-acid change (alanine 298 retained).
Molecular consequence: synonymous variant.
Genome position (GRCh38, 1-based): chr1:241,506,013, A>G on the plus strand (T>C on the coding strand, the complement: FH is on the minus strand). VCF-style: chr1-241506013-A-G. GRCh37 (hg19) VCF-style: chr1-241669313-A-G.
Identifiers: ClinVar variation 460380 (VCV000460380.17), dbSNP rs372099505, ClinGen allele CA1478596.